The following is an entry in ClinVar:

ClinVar aggregate classification (germline): Uncertain significance. Review status: criteria provided, multiple submitters, no conflicts (2 of 4 stars). 2 submissions from 2 submitters: Uncertain significance (2). Last evaluated 2024-05-08.

Conditions:
Hyperaldosteronism, familial, type IV (HALD4). Also called: FH IV; ALDOSTERONISM, PRIMARY, AND HYPERTENSION. Identifiers: Orphanet 642671, MedGen C4310756, MONDO:0014875, OMIM 617027.
Epilepsy, childhood absence, susceptibility to, 6. Identifiers: Orphanet 64280, MedGen C2749872, MONDO:0012763, OMIM 611942.
Idiopathic generalized epilepsy. Also called: Generalised epilepsy; EIG. Identifiers: MedGen C0270850, MONDO:0005579, OMIM 600669.

Allele frequency attached by ClinVar (database versions not stated): gnomAD 0.00001; ExAC 0.00002; gnomAD exomes 0.00002 and 0.00003; TOPMed 0.00002.

Submissions (2):

Labcorp Genetics (formerly Invitae), Labcorp
Classification: Uncertain significance for Idiopathic generalized epilepsy; Hyperaldosteronism, familial, type IV. Last evaluated: 2024-05-08. Review status: criteria provided, single submitter. Criteria: Invitae Variant Classification Sherloc (09022015). Collection method: clinical testing. Allele origin: germline.
Comment: This sequence change replaces glycine, which is neutral and non-polar, with serine, which is neutral and polar, at codon 1355 of the CACNA1H protein (p.Gly1355Ser). This variant is present in population databases (rs747715176, gnomAD 0.01%). This variant has not been reported in the literature in individuals affected with CACNA1H-related conditions. ClinVar contains an entry for this variant (Variation ID: 579864). Advanced modeling of protein sequence and biophysical properties (such as structural, functional, and spatial information, amino acid conservation, physicochemical variation, residue mobility, and thermodynamic stability) performed at Invitae indicates that this missense variant is expected to disrupt CACNA1H protein function with a positive predictive value of 80%. In summary, the available evidence is currently insufficient to determine the role of this variant in disease. Therefore, it has been classified as a Variant of Uncertain Significance.

Fulgent Genetics
Classification: Uncertain significance for Epilepsy, childhood absence, susceptibility to, 6; Hyperaldosteronism, familial, type IV. Last evaluated: 2022-04-24. Review status: criteria provided, single submitter. Criteria: ACMG Guidelines, 2015. Collection method: clinical testing. Allele origin: unknown.

NM_021098.3(CACNA1H):c.4063G>A (p.Gly1355Ser)

Gene: CACNA1H (calcium voltage-gated channel subunit alpha1 H; plus strand). Cytogenetic location: 16p13.3.
Variant type: single nucleotide variant.
Coding change: c.4063G>A on transcript NM_021098.3 (MANE Select); coding-DNA position 4063, G replaced by A.
Protein change: p.Gly1355Ser; replaces glycine 1355 with serine.
Molecular consequence: missense variant.
Genome position (GRCh38, 1-based): chr16:1,210,811, G>A. VCF-style: chr16-1210811-G-A. GRCh37 (hg19) VCF-style: chr16-1260811-G-A.
Other names: c.4063G>A, p.Gly1355Ser (NM_001005407.2); short protein forms G1355S.
Identifiers: ClinVar variation 579864 (VCV000579864.12), dbSNP rs747715176, ClinGen allele CA7801134.